The following is an entry in ClinVar:

NM_000451.4(SHOX):c.544+10G>A

Gene: SHOX (SHOX homeobox; plus strand). Cytogenetic location: Xp22.33.
Variant type: single nucleotide variant.
Coding change: c.544+10G>A on transcript NM_000451.4 (MANE Select); 10 bases into the intron after coding-DNA position 544, G replaced by A.
Molecular consequence: intron variant.
Genome position (GRCh38, 1-based): chrX:640,888, G>A. VCF-style: chrX-640888-G-A. GRCh37 (hg19) VCF-style: chrX-601623-G-A.
Other names: c.544+10G>A (NM_006883.2, NM_000451.3).
Identifiers: ClinVar variation 992441 (VCV000992441.4), dbSNP rs369095468, ClinGen allele CA10330033.

ClinVar aggregate classification (germline): Likely benign. Review status: criteria provided, multiple submitters, no conflicts (2 of 4 stars). 3 submissions from 3 submitters: Likely benign (2). 1 of the submissions does not count toward it. Last evaluated 2026-03-05.

Conditions:
SHOX-related disorder. Also called: SHOX-related condition.
SHOX-related short stature. Also called: SHORT STATURE, IDIOPATHIC, X-LINKED. Identifiers: Orphanet 314795, MedGen C1845118, MONDO:0010367, OMIM 300582. Disease mechanism: loss of function.

Allele frequency attached by ClinVar (database versions not stated): ESP Exome Variant Server 0.00008; TOPMed 0.00013; gnomAD 0.00015 and 0.00016; gnomAD exomes 0.00016.
gnomAD v4.1: 262 of 1,613,738 alleles (0.016%); highest among the groups gnomAD compares: Non-Finnish European, 0.021%; 1 homozygote.

Submissions (3):

PreventionGenetics, part of Exact Sciences
Classification: Likely benign for SHOX-related condition. Last evaluated: 2026-03-05. Review status: criteria provided, single submitter. Criteria: ACMG Guidelines, 2015. Collection method: clinical testing. Allele origin: germline.
Comment: This variant is classified as likely benign based on ACMG/AMP sequence variant interpretation guidelines (Richards et al. 2015 PMID: 25741868, with internal and published modifications).

Blueprint Genetics
Classification: Likely benign. Last evaluated: 2024-09-13. Review status: criteria provided, single submitter. Criteria: ACMG Guidelines, 2015. Collection method: clinical testing. Allele origin: germline.

Bioscientia Institut fuer Medizinische Diagnostik GmbH, Sonic Healthcare
Classification: Uncertain significance for SHOX-related short stature. Last evaluated: 2020-10-07. Review status: no assertion criteria provided. Collection method: clinical testing. Allele origin: germline. Affected: yes. Not counted in ClinVar's aggregate classification.